The following is an entry in ClinVar:

NM_000132.4(F8):c.6449A>T (p.Asp2150Val)

Gene: F8 (coagulation factor VIII; minus strand). Cytogenetic location: Xq28.
Variant type: single nucleotide variant.
Coding change: c.6449A>T on transcript NM_000132.4 (MANE Select); coding-DNA position 6449, A replaced by T.
Protein change: p.Asp2150Val; replaces aspartic acid 2150 with valine.
Molecular consequence: missense variant.
Genome position (GRCh38, 1-based): chrX:154,863,208, T>A on the plus strand (A>T on the coding strand, the complement: F8 is on the minus strand). VCF-style: chrX-154863208-T-A. GRCh37 (hg19) VCF-style: chrX-154091483-T-A.
Other names: c.44A>T, p.Asp15Val (NM_019863.3); short protein forms D15V, D2150V.
Identifiers: ClinVar variation 2632380 (VCV002632380.1), dbSNP rs2523841395, ClinGen allele CA414907928.

ClinVar aggregate classification (germline): Uncertain significance (1 of 4 stars; one submission).

Conditions:
F8-related disorder. Also called: F8-related condition.

Submission:

PreventionGenetics, part of Exact Sciences
Classification: Uncertain significance for F8-related condition. Last evaluated: 2023-05-22. Review status: criteria provided, single submitter. Criteria: ACMG Guidelines, 2015. Collection method: clinical testing. Allele origin: germline.
Comment: The F8 c.6449A>T variant is predicted to result in the amino acid substitution p.Asp2150Val. This variant also described using legacy nomenclature as p.Asp2131Val, has been reported in an individual with Hemophilia A (Laurie et al. 2007. PubMed ID: 17610560). Different missense variants in the same codon (p.Asp2150Ala; p.Asp2150Asn) has been reported in individuals with Hemophilia A (Rydz et al. 2013. PubMed ID: 23913812; Pavlova et al. 2014. PubMed ID: 24452774) suggesting that substitution of amino acid residue p.Asp2150 is not tolerated. This variant has not been reported in a large population database, indicating this variant is rare. At this time, the clinical significance of this variant is uncertain due to the absence of conclusive functional and genetic evidence.